The following is an entry in ClinVar:

ClinVar aggregate classification (germline): Pathogenic (1 of 4 stars; one submission).

Allele frequency attached by ClinVar (database versions not stated): gnomAD exomes below 0.00001.

Submission:

Labcorp Genetics (formerly Invitae), Labcorp
Classification: Pathogenic. Last evaluated: 2024-10-16. Review status: criteria provided, single submitter. Criteria: Invitae Variant Classification Sherloc (09022015). Collection method: clinical testing. Allele origin: germline.
Comment: This sequence change creates a premature translational stop signal (p.Gln22*) in the RDH5 gene. It is expected to result in an absent or disrupted protein product. Loss-of-function variants in RDH5 are known to be pathogenic (PMID: 11675386, 22815624). This variant is not present in population databases (gnomAD no frequency). This variant has not been reported in the literature in individuals affected with RDH5-related conditions. ClinVar contains an entry for this variant (Variation ID: 1961277). For these reasons, this variant has been classified as Pathogenic.

Literature cited by the submitters: PubMed 11675386; PubMed 22815624.

NM_002905.5(RDH5):c.64C>T (p.Gln22Ter)

Genes: BLOC1S1-RDH5 (BLOC1S1-RDH5 readthrough; plus strand), RDH5 (retinol dehydrogenase 5; plus strand). Cytogenetic location: 12q13.2.
Variant type: single nucleotide variant.
Coding change: c.64C>T on transcript NM_002905.5 (MANE Select); coding-DNA position 64, C replaced by T.
Protein change: p.Gln22Ter; replaces glutamine 22 with a stop codon.
Molecular consequence: nonsense.
Genome position (GRCh38, 1-based): chr12:55,721,248, C>T. VCF-style: chr12-55721248-C-T. GRCh37 (hg19) VCF-style: chr12-56115032-C-T.
Other names: c.64C>T, p.Gln22Ter (NM_001199771.3); short protein forms Q22*.
Identifiers: ClinVar variation 1961277 (VCV001961277.5), dbSNP rs2540002344, ClinGen allele CA385199456.